The following is an entry in ClinVar:

NM_201599.3(ZMYM3):c.2063G>A (p.Arg688His)

Gene: ZMYM3 (zinc finger MYM-type containing 3; minus strand). Cytogenetic location: Xq13.1.
Variant type: single nucleotide variant.
Coding change: c.2063G>A on transcript NM_201599.3 (MANE Select); coding-DNA position 2063, G replaced by A.
Protein change: p.Arg688His; replaces arginine 688 with histidine.
Molecular consequence: missense variant.
Genome position (GRCh38, 1-based): chrX:71,247,819, C>T on the plus strand (G>A on the coding strand, the complement: ZMYM3 is on the minus strand). VCF-style: chrX-71247819-C-T. GRCh37 (hg19) VCF-style: chrX-70467669-C-T.
Other names: c.2063G>A, p.Arg688His (NM_001171162.1, NM_005096.3); c.2063G>A (NM_201599.2); short protein forms R688H.
Identifiers: ClinVar variation 1206091 (VCV001206091.3), dbSNP rs2147982186, ClinGen allele CA413514041.
Genomic context (GRCh38, chrX:71,247,819, plus strand): 5'-CTCTTACAGTCCTCACTGCAGAAGTCCCAGGTGCTGCCATCCAGTTGCTCGGTGACTCCG[C>T]GCTGGCAGGTCTGGGAGCAGTAAGTACAAGTGATACAGCACAAGCCCAGCTTCTTAGTGA-3'
Protein context (NP_963893.1, residues 678-698): TCTYCSQTCQ[Arg688His]GVTEQLDGST

ClinVar aggregate classification (germline): Uncertain significance. Review status: criteria provided, single submitter (1 of 4 stars). 3 submissions from 3 submitters: Uncertain significance (1). 2 of the submissions do not count toward it. Last evaluated 2023-05-11.

Conditions:
ZMYM3-related disorder. Also called: ZMYM3-related condition.

gnomAD v4.1: 15 of 1,211,230 alleles (0.0012%); highest among the groups gnomAD compares: Middle Eastern, 0.023%; no homozygotes.

Submissions (3):

PreventionGenetics, part of Exact Sciences
Classification: Uncertain significance for ZMYM3-related condition. Last evaluated: 2023-05-11. Review status: criteria provided, single submitter. Criteria: ACMG Guidelines, 2015. Collection method: clinical testing. Allele origin: germline.
Comment: The ZMYM3 c.2063G>A variant is predicted to result in the amino acid substitution p.Arg688His. To our knowledge, this variant has not been reported in the literature or in a large population database, indicating this variant is rare. At this time, the clinical significance of this variant is uncertain due to the absence of conclusive functional and genetic evidence.

Clinical Genetics DNA and cytogenetics Diagnostics Lab, Erasmus MC, Erasmus Medical Center
Classification: Uncertain significance. Review status: no assertion criteria provided. Collection method: clinical testing. Allele origin: germline. Affected: yes. Study: VKGL Data-share Consensus. Not counted in ClinVar's aggregate classification.

Laboratory of Diagnostic Genome Analysis, Leiden University Medical Center (LUMC)
Classification: Uncertain significance. Review status: no assertion criteria provided. Collection method: clinical testing. Allele origin: germline. Affected: yes. Study: VKGL Data-share Consensus. Not counted in ClinVar's aggregate classification.